The following is an entry in ClinVar:

NM_001042492.3(NF1):c.3977T>G (p.Leu1326Ter)

Gene: NF1 (neurofibromin 1; plus strand). Cytogenetic location: 17q11.2.
Variant type: single nucleotide variant.
Coding change: c.3977T>G on transcript NM_001042492.3 (MANE Select); coding-DNA position 3977, T replaced by G.
Protein change: p.Leu1326Ter; replaces leucine 1326 with a stop codon.
Molecular consequence: nonsense.
Genome position (GRCh38, 1-based): chr17:31,248,986, T>G. VCF-style: chr17-31248986-T-G. GRCh37 (hg19) VCF-style: chr17-29576004-T-G.
Other names: p.Leu1326*; c.3977T>G, p.Leu1326Ter (NM_000267.4); short protein forms L1326*.
Identifiers: ClinVar variation 949855 (VCV000949855.13), dbSNP rs2067447633, ClinGen allele CA398994810.

ClinVar aggregate classification (germline): Pathogenic. Review status: criteria provided, multiple submitters, no conflicts (2 of 4 stars). 6 submissions from 6 submitters: Pathogenic (6). Last evaluated 2025-11-26.

Conditions:
Neurofibromatosis, type 1 (NF1). Also called: Neurofibromatosis, type I; VON RECKLINGHAUSEN DISEASE; Peripheral type neurofibromatosis; NEUROFIBROMATOSIS, TYPE I, SOMATIC. Identifiers: Orphanet 636, MedGen C0027831, MONDO:0018975, OMIM 162200. Disease mechanism: loss of function.
NF1-related disorder. Also called: NF1-related condition. Identifiers: MedGen CN379171.

Submissions (6):

Mayo Clinic Laboratories, Mayo Clinic
Classification: Pathogenic. Last evaluated: 2025-11-26. Review status: criteria provided, single submitter. Criteria: ACMG Guidelines, 2015. Collection method: clinical testing. Allele origin: germline. Observed: 1 variant allele.
Comment: PP4, PM2_supporting, PVS1

Blueprint Genetics
Classification: Pathogenic for NF1-related disorders. Last evaluated: 2024-08-28. Review status: criteria provided, single submitter. Criteria: ACMG Guidelines, 2015. Collection method: clinical testing. Allele origin: germline. Affected: yes. Observed: 1 variant allele.

Neuberg Centre For Genomic Medicine, NCGM
Classification: Pathogenic for Neurofibromatosis, type 1. Last evaluated: 2024-02-01. Review status: criteria provided, single submitter. Criteria: ACMG Guidelines, 2015. Collection method: clinical testing. Allele origin: germline. Inheritance: Autosomal dominant inheritance.
Comment: This sequence change creates a premature translational stop signal (p.Leu1326*) in the NF1 gene. It is expected to result in an absent or disrupted protein product. Loss-of-function variants in NF1 are known to be pathogenic (PMID: 10712197, 23913538). ClinVar contains an entry for this variant (Variation ID: 949855). This premature translational stop signal has been observed in individual(s) with neurofibromatosis type 1 (PMID: 25074460). This variant is not present in population databases (gnomAD no frequency). For these reasons, this variant has been classified as Pathogenic.

Labcorp Genetics (formerly Invitae), Labcorp
Classification: Pathogenic for Neurofibromatosis, type 1. Last evaluated: 2022-08-12. Review status: criteria provided, single submitter. Criteria: Invitae Variant Classification Sherloc (09022015). Collection method: clinical testing. Allele origin: germline.
Comment: For these reasons, this variant has been classified as Pathogenic. ClinVar contains an entry for this variant (Variation ID: 949855). This sequence change creates a premature translational stop signal (p.Leu1326*) in the NF1 gene. It is expected to result in an absent or disrupted protein product. Loss-of-function variants in NF1 are known to be pathogenic (PMID: 10712197, 23913538). This variant is not present in population databases (gnomAD no frequency). This premature translational stop signal has been observed in individual(s) with neurofibromatosis type 1 (PMID: 25074460).

Genome-Nilou Lab
Classification: Pathogenic for Neurofibromatosis, type 1. Last evaluated: 2022-03-15. Review status: criteria provided, single submitter. Criteria: ACMG Guidelines, 2015. Collection method: clinical testing. Allele origin: germline. Affected: no.

Genome Diagnostics Laboratory, The Hospital for Sick Children
Classification: Pathogenic for Neurofibromatosis, type 1. Last evaluated: 2020-10-26. Review status: criteria provided, single submitter. Criteria: ACMG Guidelines, 2015. Collection method: clinical testing. Allele origin: germline. Affected: yes.

Literature cited by the submitters: PubMed 25074460 (cited by Mayo Clinic Laboratories, Mayo Clinic and Labcorp Genetics (formerly Invitae), Labcorp); PubMed 10712197 (cited by Labcorp Genetics (formerly Invitae), Labcorp); PubMed 23913538 (cited by Labcorp Genetics (formerly Invitae), Labcorp).